The following is an entry in ClinVar:

NM_018406.7(MUC4):c.5496A>G (p.Ser1832=)

Gene: MUC4 (mucin 4, cell surface associated). Cytogenetic location: 3q29.
Variant type: single nucleotide variant.
Coding change: c.5496A>G on transcript NM_018406.7 (MANE Select); coding-DNA position 5496, A replaced by G.
Protein change: p.Ser1832=; no amino-acid change (serine 1832 retained).
Molecular consequence: synonymous variant. On other transcripts: intron variant (2).
Genome position (GRCh38, 1-based): chr3:195,786,084, T>C on the plus strand (A>G on the coding strand, the complement: MUC4 is on the minus strand). VCF-style: chr3-195786084-T-C. GRCh37 (hg19) VCF-style: chr3-195512955-T-C.
Other names: c.83-11779A>G (NM_138297.5); c.83-7629A>G (NM_004532.6).
Identifiers: ClinVar variation 3898754 (VCV003898754.7).

ClinVar aggregate classification (germline): Likely benign (1 of 4 stars; one submission).

Submission:

CeGaT Center for Human Genetics Tuebingen
Classification: Likely benign. Last evaluated: 2025-04-01. Review status: criteria provided, single submitter. Criteria: CeGaT Center For Human Genetics Tuebingen Variant Classification Criteria Version 2. Collection method: clinical testing. Allele origin: germline. Affected: yes. Observed: 1 variant allele.
Comment: MUC4: BP4, BP7